The following is an entry in ClinVar:

NM_000432.4(MYL2):c.304G>T (p.Ala102Ser)

Gene: MYL2 (myosin light chain 2; minus strand). Cytogenetic location: 12q24.11.
Variant type: single nucleotide variant.
Coding change: c.304G>T on transcript NM_000432.4 (MANE Select); coding-DNA position 304, G replaced by T.
Protein change: p.Ala102Ser; replaces alanine 102 with serine.
Molecular consequence: missense variant.
Genome position (GRCh38, 1-based): chr12:110,913,295, C>A on the plus strand (G>T on the coding strand, the complement: MYL2 is on the minus strand). VCF-style: chr12-110913295-C-A. GRCh37 (hg19) VCF-style: chr12-111351099-C-A.
Other names: short protein forms A102S.
Identifiers: ClinVar variation 1332350 (VCV001332350.8), dbSNP rs369868176, ClinGen allele CA386698060.

ClinVar aggregate classification (germline): Uncertain significance. Review status: criteria provided, multiple submitters, no conflicts (2 of 4 stars). 2 submissions from 2 submitters: Uncertain significance (2). Last evaluated 2024-08-13.

Conditions:
Cardiomyopathy (CMYO). Also called: Cardiomyopathies. Identifiers: Orphanet 167848, MedGen C0878544, MONDO:0004994, HP:0001638. Inheritance: Various modes of inheritance.
Hypertrophic cardiomyopathy 10. Also called: CARDIOMYOPATHY, HYPERTROPHIC, MID-LEFT VENTRICULAR CHAMBER TYPE, 2; MYL2-Related Familial Hypertrophic Cardiomyopathy. Identifiers: MedGen C1834460, MONDO:0012112, OMIM 608758.

Allele frequency attached by ClinVar (database versions not stated): TOPMed below 0.00001.
gnomAD v4.1: 2 of 1,614,178 alleles (0.00012%); highest among the groups gnomAD compares: East Asian, 0.0022%; no homozygotes.

Submissions (2):

Labcorp Genetics (formerly Invitae), Labcorp
Classification: Uncertain significance for Hypertrophic cardiomyopathy 10. Last evaluated: 2024-08-13. Review status: criteria provided, single submitter. Criteria: Invitae Variant Classification Sherloc (09022015). Collection method: clinical testing. Allele origin: germline.
Comment: This sequence change replaces alanine, which is neutral and non-polar, with serine, which is neutral and polar, at codon 102 of the MYL2 protein (p.Ala102Ser). This variant is present in population databases (no rsID available, gnomAD 0.006%). This variant has not been reported in the literature in individuals affected with MYL2-related conditions. ClinVar contains an entry for this variant (Variation ID: 1332350). An algorithm developed to predict the effect of missense changes on protein structure and function (PolyPhen-2) suggests that this variant is likely to be disruptive. In summary, the available evidence is currently insufficient to determine the role of this variant in disease. Therefore, it has been classified as a Variant of Uncertain Significance.

Color Diagnostics, LLC DBA Color Health
Classification: Uncertain significance for Cardiomyopathy. Last evaluated: 2024-03-06. Review status: criteria provided, single submitter. Criteria: ACMG Guidelines, 2015. Collection method: clinical testing. Allele origin: germline.
Comment: This missense variant replaces alanine with serine at codon 102 of the MYL2 protein. Computational prediction suggests that this variant may have deleterious impact on protein structure and function (internally defined REVEL score threshold >= 0.7, PMID: 27666373). To our knowledge, functional studies have not been reported for this variant. This variant has not been reported in individuals affected with cardiovascular disorders in the literature. This variant has been identified in 1/251492 chromosomes in the general population by the Genome Aggregation Database (gnomAD). The available evidence is insufficient to determine the role of this variant in disease conclusively. Therefore, this variant is classified as a Variant of Uncertain Significance.